The following is an entry in ClinVar:

ClinVar aggregate classification (germline): Benign. Review status: criteria provided, multiple submitters, no conflicts (2 of 4 stars). 3 submissions from 3 submitters: Benign (3). Last evaluated 2024-01-24.

Allele frequency attached by ClinVar (database versions not stated): 1000 Genomes Project 30x 0.44394; 1000 Genomes Project 0.43950; TOPMed 0.44653.
gnomAD v4.1: 720,406 of 1,599,342 alleles (45%); highest among the groups gnomAD compares: South Asian, 51%; 163,609 homozygotes.

Submissions (3):

Unidad de Genómica Garrahan, Hospital de Pediatría Garrahan
Classification: Benign. Last evaluated: 2024-01-24. Review status: criteria provided, single submitter. Criteria: ACMG Guidelines, 2015. Collection method: clinical testing. Allele origin: germline. Affected: no. Observed: 63 variant alleles.
Comment: This variant is classified as Benign based on local population frequency. This variant was detected in 66% of patients studied by a panel of primary immunodeficiencies. Number of patients: 63. Only high quality variants are reported.

GeneDx
Classification: Benign. Last evaluated: 2018-11-10. Review status: criteria provided, single submitter. Criteria: GeneDx Variant Classification Process June 2021. Collection method: clinical testing. Allele origin: germline. Affected: yes.

Breakthrough Genomics
Classification: Benign. Review status: criteria provided, single submitter. Criteria: ACMG Guidelines, 2015. Collection method: not provided. Allele origin: germline. Inheritance: Autosomal recessive inheritance. Affected: yes.

NM_013314.4(BLNK):c.525+56G>A

Gene: BLNK (B cell linker; minus strand). Cytogenetic location: 10q24.1.
Variant type: single nucleotide variant.
Coding change: c.525+56G>A on transcript NM_013314.4 (MANE Select); 56 bases into the intron after coding-DNA position 525, G replaced by A.
Molecular consequence: intron variant.
Genome position (GRCh38, 1-based): chr10:96,223,770, C>T on the plus strand (G>A on the coding strand, the complement: BLNK is on the minus strand). VCF-style: chr10-96223770-C-T. GRCh37 (hg19) VCF-style: chr10-97983526-C-T.
Other names: c.349+3652G>A (NM_001258442.2); c.525+56G>A (NM_001258441.2, NM_001114094.2, NM_001258440.2).
Identifiers: ClinVar variation 1234241 (VCV001234241.6), dbSNP rs10882746, ClinGen allele CA13165566.